The following is an entry in ClinVar:

NM_004360.5(CDH1):c.1711+6G>A

Gene: CDH1 (cadherin 1; plus strand). Cytogenetic location: 16q22.1.
Variant type: single nucleotide variant.
Coding change: c.1711+6G>A on transcript NM_004360.5 (MANE Select); 6 bases into the intron after coding-DNA position 1711, G replaced by A.
Molecular consequence: intron variant.
Genome position (GRCh38, 1-based): chr16:68,819,431, G>A. VCF-style: chr16-68819431-G-A. GRCh37 (hg19) VCF-style: chr16-68853334-G-A.
Other names: c.1711+6G>A (NM_004360.4, LRG_301t1); c.163+6G>A (NM_001317185.2); c.-254-2570G>A (NM_001317186.2); c.1528+6G>A (NM_001317184.2).
Identifiers: ClinVar variation 651431 (VCV000651431.9), dbSNP rs1555516597, ClinGen allele CA915949317.
Genomic context (GRCh38, chr16:68,819,431, plus strand): 5'-TTTGAGCACGTGAAGAACAGCACGTACACAGCCCTAATCATAGCTACAGACAATGGTAAG[G>A]GGGCCTCATCTGAGCCTTTGCTGCCTCGACCTCCTAGCTAGTTCAGTTCCTTGCCCCTCC-3'

ClinVar aggregate classification (germline): Uncertain significance. Review status: criteria provided, multiple submitters, no conflicts (2 of 4 stars). 2 submissions from 2 submitters: Uncertain significance (2). Last evaluated 2025-11-05.

Conditions:
Hereditary diffuse gastric adenocarcinoma (HDGC). Also called: DIFFUSE GASTRIC AND LOBULAR BREAST CANCER SYNDROME. Identifiers: Orphanet 26106, MedGen C1708349, MONDO:0007648, OMIM 137215.

Submissions (2):

Labcorp Genetics (formerly Invitae), Labcorp
Classification: Uncertain significance for Hereditary diffuse gastric adenocarcinoma. Last evaluated: 2025-11-05. Review status: criteria provided, single submitter. Criteria: Invitae Variant Classification Sherloc (09022015). Collection method: clinical testing. Allele origin: germline.
Comment: This sequence change falls in intron 11 of the CDH1 gene. It does not directly change the encoded amino acid sequence of the CDH1 protein. It affects a nucleotide within the consensus splice site. This variant is not present in population databases (gnomAD no frequency). This variant has not been reported in the literature in individuals affected with CDH1-related conditions. ClinVar contains an entry for this variant (Variation ID: 651431). Variants that disrupt the consensus splice site are a relatively common cause of aberrant splicing (PMID: 17576681, 9536098). Algorithms developed to predict the effect of sequence changes on RNA splicing suggest that this variant is not likely to affect RNA splicing. In summary, the available evidence is currently insufficient to determine the role of this variant in disease. Therefore, it has been classified as a Variant of Uncertain Significance.

European Reference Network on Genetic Tumour Risk Syndromes (ERN-GENTURIS), i3s - Instituto de Investigação e Inovação em Saúde, University of Porto
Classification: Uncertain significance for Hereditary diffuse gastric adenocarcinoma. Last evaluated: 2022-08-01. Review status: criteria provided, single submitter. Criteria: Lee et al. (Hum Mutat. 2018). Collection method: clinical testing. Allele origin: germline. Inheritance: Autosomal dominant inheritance. Affected: no. Study: ERN GENTURIS.
Comment: PM2 (PMID: 30311375)

Literature cited by the submitters: PubMed 17576681 (cited by Labcorp Genetics (formerly Invitae), Labcorp); PubMed 9536098 (cited by Labcorp Genetics (formerly Invitae), Labcorp); PubMed 36436516 (cited by European Reference Network on Genetic Tumour Risk Syndromes (ERN-GENTURIS), i3s - Instituto de Investigação e Inovação em Saúde, University of Porto).